The following is an entry in ClinVar:

NM_004667.6(HERC2):c.13570G>A (p.Ala4524Thr)

Gene: HERC2 (HECT and RLD domain containing E3 ubiquitin protein ligase 2; minus strand). Cytogenetic location: 15q13.1.
Variant type: single nucleotide variant.
Coding change: c.13570G>A on transcript NM_004667.6 (MANE Select); coding-DNA position 13570, G replaced by A.
Protein change: p.Ala4524Thr; replaces alanine 4524 with threonine.
Molecular consequence: missense variant.
Genome position (GRCh38, 1-based): chr15:28,116,704, C>T on the plus strand (G>A on the coding strand, the complement: HERC2 is on the minus strand). VCF-style: chr15-28116704-C-T. GRCh37 (hg19) VCF-style: chr15-28361850-C-T.
Other names: short protein forms A4524T.
Identifiers: ClinVar variation 2432441 (VCV002432441.5), dbSNP rs144844826, ClinGen allele CA7439926.
Genomic context (GRCh38, chr15:28,116,704, plus strand): 5'-TCAAGCGGCCGAGAAGCTCACCCAGGAAGCGGAACATGCTGCTGTGCACGGGTGCTCTGG[C>T]GGCCGGGCTGAGCAGGTAGCAGTCTCGGTTGGCCCCAGACTCATCCCTCCCGTTGGGTGT-3'
Protein context (NP_004658.3, residues 4514-4534): NRDCYLLSPA[Ala4524Thr]RAPVHSSMFR

ClinVar aggregate classification (germline): Uncertain significance (1 of 4 stars; one submission).

Conditions:
Developmental delay with autism spectrum disorder and gait instability (MRT38). Also called: Intellectual developmental disorder, autosomal recessive 38. Identifiers: Orphanet 329195, MedGen C3809753, MONDO:0014224, OMIM 615516.

Allele frequency attached by ClinVar (database versions not stated): ExAC 0.00002; ESP Exome Variant Server 0.00008.
gnomAD v4.1: 35 of 1,613,290 alleles (0.0022%); highest among the groups gnomAD compares: South Asian, 0.012%; 1 homozygote.

Submission:

Revvity Omics, Revvity
Classification: Uncertain significance. Last evaluated: 2022-09-09. Review status: criteria provided, single submitter. Criteria: ACMG Guidelines, 2015. Collection method: clinical testing. Allele origin: germline.